The following is an entry in ClinVar:

NM_172107.4(KCNQ2):c.683A>G (p.His228Arg)

Gene: KCNQ2 (potassium voltage-gated channel subfamily Q member 2; minus strand). Cytogenetic location: 20q13.33.
Variant type: single nucleotide variant.
Coding change: c.683A>G on transcript NM_172107.4 (MANE Select); coding-DNA position 683, A replaced by G.
Protein change: p.His228Arg; replaces histidine 228 with arginine.
Molecular consequence: missense variant.
Genome position (GRCh38, 1-based): chr20:63,444,666, T>C on the plus strand (A>G on the coding strand, the complement: KCNQ2 is on the minus strand). VCF-style: chr20-63444666-T-C. GRCh37 (hg19) VCF-style: chr20-62076019-T-C.
Other names: c.683A>G, p.His228Arg (NM_001382235.1, NM_004518.6, NM_172106.3 and 2 more transcripts); short protein forms H228R.
Identifiers: ClinVar variation 972975 (VCV000972975.7), dbSNP rs2081358611, ClinGen allele CA409654652.
Genomic context (GRCh38, chr20:63,444,666, plus strand): 5'-AGGACTCTCGCTGGCTGGGGGCGCCCACCGCCAGCCTTGGGGCCGTGACTCACCTTGCTG[T>C]GGGCATAGACCACAGAGCCCAGCAGCTTCCAGGTGCCTCCCCGCCGGTCCATGCGGATCA-3'
Protein context (NP_742105.1, residues 218-238): WKLLGSVVYA[His228Arg]SKELVTAWYI

ClinVar aggregate classification (germline): Pathogenic/Likely pathogenic. Review status: criteria provided, multiple submitters, no conflicts (2 of 4 stars). 2 submissions from 2 submitters: Pathogenic (1); Likely pathogenic (1). Last evaluated 2025-05-28.

Conditions:
KCNQ2-Related Disorders. Also called: KCNQ2-related condition; KCNQ2-related disorder. Identifiers: MedGen CN169299.
Developmental and epileptic encephalopathy, 7 (DEE7). Also called: Early infantile epileptic encephalopathy 7; KCNQ2-Related Neonatal Epileptic Encephalopathy; KCNQ2-Related Neonatal-Onset Developmental and Epileptic Encephalopathy (NEO-DEE). Identifiers: Orphanet 439218, MedGen C3150986, MONDO:0013387, OMIM 613720.

Submissions (8):

GeneDx
Classification: Pathogenic. Last evaluated: 2025-05-28. Review status: criteria provided, single submitter. Criteria: GeneDx Variant Classification Process June 2021. Collection method: clinical testing. Allele origin: germline. Affected: yes.
Comment: Published functional studies suggest a damaging effect indicative of haploinsufficiency, demonstrated by a significant decrease in current density (PMID: 35104249); In silico analysis supports that this missense variant has a deleterious effect on protein structure/function; Not observed at significant frequency in large population cohorts (gnomAD); This substitution is predicted to be within the intracellular loop between the S4 and S5 transmembrane segments; This variant is associated with the following publications: (PMID: 31951342, 33057194, 35982159, Xia2022[preprint], 34153113, 38814296, 35104249)

Variantyx, Inc.
Classification: Likely pathogenic for Developmental and epileptic encephalopathy, 7. Last evaluated: 2025-04-09. Review status: criteria provided, single submitter. Criteria: Variantyx Assertion Criteria 2022. Collection method: clinical testing. Allele origin: de novo. Inheritance: Autosomal dominant inheritance. Affected: yes.
Comment: This is a nonsynonymous variant in the KCNQ2 gene (OMIM: 602235). Pathogenic variants in this gene have been associated with autosomal dominant developmental and epileptic encephalopathy 7. Multiple computational algorithms predict a deleterious effect for this variant (REVEL score: 0.944) (PP3). This variant is absent from control populations (PM2). Based on the current evidence, this variant is classified as likely pathogenic for autosomal dominant developmental and epileptic encephalopathy 7.

Channelopathy-Associated Epilepsy Research Center
No classification provided (evidence only). Condition: Complex neurodevelopmental disorder. Review status: no classification provided. Collection method: literature only. Allele origin: not applicable. Functional consequence: Severe decrease in peak current, Severe slowing of activation, Severe hyperpolarizing shift of voltage dependence of activation. Not counted in ClinVar's aggregate classification.
ClinVar note: "not provided" was previously submitted as the classification for the variant. However, the classification appeared to be based only on an observation of functional data so it was converted to no classification on 2025-07-30.

Channelopathy-Associated Epilepsy Research Center
No classification provided (evidence only). Review status: no classification provided. Collection method: in vitro. Allele origin: not applicable. Functional consequence: Decrease in peak current. Not counted in ClinVar's aggregate classification.

Channelopathy-Associated Epilepsy Research Center
No classification provided (evidence only). Review status: no classification provided. Collection method: in vitro. Allele origin: not applicable. Functional consequence: Decrease in peak current. Not counted in ClinVar's aggregate classification.

Channelopathy-Associated Epilepsy Research Center
No classification provided (evidence only). Review status: no classification provided. Collection method: in vitro. Allele origin: not applicable. Functional consequence: Normal voltage dependence of activation. Not counted in ClinVar's aggregate classification.

Channelopathy-Associated Epilepsy Research Center
No classification provided (evidence only). Review status: no classification provided. Collection method: in vitro. Allele origin: not applicable. Functional consequence: Increase in slope of activation. Not counted in ClinVar's aggregate classification.

Channelopathy-Associated Epilepsy Research Center
No classification provided (evidence only). Review status: no classification provided. Collection method: in vitro. Allele origin: not applicable. Functional consequence: Slowing of activation. Not counted in ClinVar's aggregate classification.

Literature cited by the submitters: PubMed 4055306 (cited by Variantyx, Inc.); PubMed 14534157 (cited by Variantyx, Inc.); PubMed 31951342 (cited by Variantyx, Inc.); PubMed 35104249 (cited by Channelopathy-Associated Epilepsy Research Center).